The following is an entry in ClinVar:

NM_001710.6(CFB):c.637G>A (p.Gly213Arg)

Gene: CFB (complement factor B; plus strand). Cytogenetic location: 6p21.33.
Variant type: single nucleotide variant.
Coding change: c.637G>A on transcript NM_001710.6 (MANE Select); coding-DNA position 637, G replaced by A.
Protein change: p.Gly213Arg; replaces glycine 213 with arginine.
Molecular consequence: missense variant.
Genome position (GRCh38, 1-based): chr6:31,947,500, G>A. VCF-style: chr6-31947500-G-A. GRCh37 (hg19) VCF-style: chr6-31915277-G-A.
Other names: short protein forms G213R.
Identifiers: ClinVar variation 4742301 (VCV004742301.1).

ClinVar aggregate classification (germline): Uncertain significance (1 of 4 stars; one submission).

gnomAD v4.1: 5 of 1,612,804 alleles (0.00031%); highest among the groups gnomAD compares: African/African-American, 0.0013%; no homozygotes.

Submission:

Labcorp Genetics (formerly Invitae), Labcorp
Classification: Uncertain significance. Last evaluated: 2025-08-23. Review status: criteria provided, single submitter. Criteria: Invitae Variant Classification Sherloc (09022015). Collection method: clinical testing. Allele origin: germline.
Comment: This sequence change replaces glycine, which is neutral and non-polar, with arginine, which is basic and polar, at codon 213 of the CFB protein (p.Gly213Arg). This variant is not present in population databases (gnomAD no frequency). This variant has not been reported in the literature in individuals affected with CFB-related conditions. Invitae Evidence Modeling of protein sequence and biophysical properties (such as structural, functional, and spatial information, amino acid conservation, physicochemical variation, residue mobility, and thermodynamic stability) indicates that this missense variant is expected to disrupt CFB protein function with a positive predictive value of 80%. In summary, the available evidence is currently insufficient to determine the role of this variant in disease. Therefore, it has been classified as a Variant of Uncertain Significance.